The following is an entry in ClinVar:

ClinVar aggregate classification (germline): Uncertain significance (1 of 4 stars; one submission).

Submission:

Labcorp Genetics (formerly Invitae), Labcorp
Classification: Uncertain significance. Last evaluated: 2024-09-10. Review status: criteria provided, single submitter. Criteria: Invitae Variant Classification Sherloc (09022015). Collection method: clinical testing. Allele origin: germline.
Comment: This sequence change replaces arginine, which is basic and polar, with proline, which is neutral and non-polar, at codon 920 of the FBN3 protein (p.Arg920Pro). This variant is not present in population databases (gnomAD no frequency). This variant has not been reported in the literature in individuals affected with FBN3-related conditions. Invitae Evidence Modeling of protein sequence and biophysical properties (such as structural, functional, and spatial information, amino acid conservation, physicochemical variation, residue mobility, and thermodynamic stability) indicates that this missense variant is not expected to disrupt FBN3 protein function with a negative predictive value of 80%. In summary, the available evidence is currently insufficient to determine the role of this variant in disease. Therefore, it has been classified as a Variant of Uncertain Significance.

NM_032447.5(FBN3):c.2759G>C (p.Arg920Pro)

Gene: FBN3 (fibrillin 3; minus strand). Cytogenetic location: 19p13.2.
Variant type: single nucleotide variant.
Coding change: c.2759G>C on transcript NM_032447.5 (MANE Select); coding-DNA position 2759, G replaced by C.
Protein change: p.Arg920Pro; replaces arginine 920 with proline.
Molecular consequence: missense variant.
Genome position (GRCh38, 1-based): chr19:8,123,981, C>G on the plus strand (G>C on the coding strand, the complement: FBN3 is on the minus strand). VCF-style: chr19-8123981-C-G. GRCh37 (hg19) VCF-style: chr19-8188865-C-G.
Other names: c.2759G>C, p.Arg920Pro (NM_001321431.2); short protein forms R920P.
Identifiers: ClinVar variation 3629162 (VCV003629162.2).